The following is an entry in ClinVar:

ClinVar aggregate classification (germline): Uncertain significance (1 of 4 stars; one submission).

Allele frequency attached by ClinVar (database versions not stated): ExAC 0.00001; gnomAD exomes 0.00001.
gnomAD v4.1: 12 of 1,613,806 alleles (0.00074%); highest among the groups gnomAD compares: South Asian, 0.0011%; no homozygotes.

Submission:

Labcorp Genetics (formerly Invitae), Labcorp
Classification: Uncertain significance. Last evaluated: 2024-05-22. Review status: criteria provided, single submitter. Criteria: Invitae Variant Classification Sherloc (09022015). Collection method: clinical testing. Allele origin: germline.
Comment: This sequence change replaces proline, which is neutral and non-polar, with serine, which is neutral and polar, at codon 779 of the IFT88 protein (p.Pro779Ser). This variant is present in population databases (rs780802564, gnomAD 0.002%). This variant has not been reported in the literature in individuals affected with IFT88-related conditions. ClinVar contains an entry for this variant (Variation ID: 1362331). An algorithm developed to predict the effect of missense changes on protein structure and function (PolyPhen-2) suggests that this variant is likely to be tolerated. In summary, the available evidence is currently insufficient to determine the role of this variant in disease. Therefore, it has been classified as a Variant of Uncertain Significance.

NM_006531.5(IFT88):c.2308C>T (p.Pro770Ser)

Gene: IFT88 (intraflagellar transport 88; plus strand). Cytogenetic location: 13q12.11.
Variant type: single nucleotide variant.
Coding change: c.2308C>T on transcript NM_006531.5 (MANE Select); coding-DNA position 2308, C replaced by T.
Protein change: p.Pro770Ser; replaces proline 770 with serine.
Molecular consequence: missense variant. On other transcripts: non-coding transcript variant (4), intron variant (5).
Genome position (GRCh38, 1-based): chr13:20,690,770, C>T. VCF-style: chr13-20690770-C-T. GRCh37 (hg19) VCF-style: chr13-21264909-C-T.
Other names: c.2251C>T, p.Pro751Ser (NM_001318491.2); c.2335C>T, p.Pro779Ser (NM_001318493.2, NM_001353565.2, NM_001353566.2 and 2 more transcripts); c.2308C>T, p.Pro770Ser (NM_001353568.2); c.2233C>T, p.Pro745Ser (NM_001353569.2, NM_001353570.2); c.2206C>T, p.Pro736Ser (NM_001353571.2); c.2164C>T, p.Pro722Ser (NM_001353573.2); c.2149C>T, p.Pro717Ser (NM_001353574.2); c.1675C>T, p.Pro559Ser (NM_001353579.2); and 4 more; short protein forms P717S, P559S, P722S, P745S, P779S, P736S, P751S, P770S.
Identifiers: ClinVar variation 1362331 (VCV001362331.6), dbSNP rs780802564, ClinGen allele CA6905738.
Genomic context (GRCh38, chr13:20,690,770, plus strand): 5'-GGCCAGAACTATAGTGCCAGTAGTAAAGGTGAACGACTAAGTGCCAGACTCAGAGCTTTA[C>T]CTGGGACAAATGAACCTTATGAAAGTAGCAGTAACAAAGAAATAGGCAAGTACTCTCCAC-3'
Protein context (NP_006522.2, residues 760-780): ERLSARLRAL[Pro770Ser]GTNEPYESSS